The following is an entry in ClinVar:

NM_001458.5(FLNC):c.3035C>T (p.Pro1012Leu)

Gene: FLNC (filamin C; plus strand). Cytogenetic location: 7q32.1.
Variant type: single nucleotide variant.
Coding change: c.3035C>T on transcript NM_001458.5 (MANE Select); coding-DNA position 3035, C replaced by T.
Protein change: p.Pro1012Leu; replaces proline 1012 with leucine.
Molecular consequence: missense variant.
Genome position (GRCh38, 1-based): chr7:128,844,109, C>T. VCF-style: chr7-128844109-C-T. GRCh37 (hg19) VCF-style: chr7-128484163-C-T.
Other names: c.3035C>T, p.Pro1012Leu (NM_001127487.2); short protein forms P1012L.
Identifiers: ClinVar variation 3761450 (VCV003761450.2).

ClinVar aggregate classification (germline): Uncertain significance (1 of 4 stars; one submission).

Conditions:
Hypertrophic cardiomyopathy 26. Also called: Cardiomyopathy, familial hypertrophic, 26. Identifiers: Orphanet 75249, MedGen C4310749, MONDO:0014883, OMIM 617047.
Distal myopathy with posterior leg and anterior hand involvement. Also called: WILLIAMS DISTAL MYOPATHY. Identifiers: Orphanet 63273, MedGen C3279722, MONDO:0013550, OMIM 614065.
Myofibrillar myopathy 5. Also called: Filaminopathy (type); FILAMINOPATHY, AUTOSOMAL DOMINANT. Identifiers: Orphanet 171445, MedGen C1836050, MONDO:0012289, OMIM 609524.

gnomAD v4.1: 2 of 1,613,868 alleles (0.00012%); highest among the groups gnomAD compares: African/African-American, 0.0027%; no homozygotes.

Submission:

Labcorp Genetics (formerly Invitae), Labcorp
Classification: Uncertain significance for Distal myopathy with posterior leg and anterior hand involvement; Myofibrillar myopathy 5; Hypertrophic cardiomyopathy 26. Last evaluated: 2024-09-11. Review status: criteria provided, single submitter. Criteria: Invitae Variant Classification Sherloc (09022015). Collection method: clinical testing. Allele origin: germline.
Comment: This sequence change replaces proline, which is neutral and non-polar, with leucine, which is neutral and non-polar, at codon 1012 of the FLNC protein (p.Pro1012Leu). This variant is not present in population databases (gnomAD no frequency). This variant has not been reported in the literature in individuals affected with FLNC-related conditions. Invitae Evidence Modeling of protein sequence and biophysical properties (such as structural, functional, and spatial information, amino acid conservation, physicochemical variation, residue mobility, and thermodynamic stability) has been performed for this missense variant. However, the output from this modeling did not meet the statistical confidence thresholds required to predict the impact of this variant on FLNC protein function. In summary, the available evidence is currently insufficient to determine the role of this variant in disease. Therefore, it has been classified as a Variant of Uncertain Significance.